The following is an entry in ClinVar:

ClinVar aggregate classification (germline): Uncertain significance (1 of 4 stars; one submission).

Submission:

GeneDx
Classification: Uncertain significance. Last evaluated: 2026-02-18. Review status: criteria provided, single submitter. Criteria: GeneDx Variant Classification Process June 2021. Collection method: clinical testing. Allele origin: germline.
Comment: Not observed at significant frequency in large population cohorts (gnomAD); In silico analysis suggests that this missense variant does not alter protein structure/function; Has not been previously published as pathogenic or benign to our knowledge; This variant is associated with the following publications: (PMID: 18184292)

NM_000702.4(ATP1A2):c.1404G>C (p.Met468Ile)

Gene: ATP1A2 (ATPase Na+/K+ transporting subunit alpha 2; plus strand). Cytogenetic location: 1q23.2.
Variant type: single nucleotide variant.
Coding change: c.1404G>C on transcript NM_000702.4 (MANE Select); coding-DNA position 1404, G replaced by C.
Protein change: p.Met468Ile; replaces methionine 468 with isoleucine.
Molecular consequence: missense variant.
Genome position (GRCh38, 1-based): chr1:160,129,343, G>C. VCF-style: chr1-160129343-G-C. GRCh37 (hg19) VCF-style: chr1-160099133-G-C.
Other names: short protein forms M468I.
Identifiers: ClinVar variation 5009726 (VCV005009726.1).